The following is an entry in ClinVar:

ClinVar aggregate classification (germline): Uncertain significance. Review status: criteria provided, multiple submitters, no conflicts (2 of 4 stars). 2 submissions from 2 submitters: Uncertain significance (2). Last evaluated 2025-08-26.

Conditions:
Inborn genetic diseases. Identifiers: MedGen C0950123, MeSH D030342.

Allele frequency attached by ClinVar (database versions not stated): TOPMed 0.00002; gnomAD 0.00003; ExAC 0.00006; gnomAD exomes 0.00006.
gnomAD v4.1: 84 of 1,586,238 alleles (0.0053%); highest among the groups gnomAD compares: Middle Eastern, 0.016%; no homozygotes.

Submissions (2):

Ambry Genetics
Classification: Uncertain significance for Inborn genetic diseases. Last evaluated: 2025-08-26. Review status: criteria provided, single submitter. Criteria: Ambry Variant Classification Scheme 2023. Collection method: clinical testing. Allele origin: germline.

Labcorp Genetics (formerly Invitae), Labcorp
Classification: Uncertain significance. Last evaluated: 2024-06-20. Review status: criteria provided, single submitter. Criteria: Invitae Variant Classification Sherloc (09022015). Collection method: clinical testing. Allele origin: germline.
Comment: This sequence change replaces proline, which is neutral and non-polar, with glutamine, which is neutral and polar, at codon 17 of the ERCC6L2 protein (p.Pro17Gln). The frequency data for this variant in the population databases is considered unreliable, as metrics indicate poor data quality at this position in the gnomAD database. This variant has not been reported in the literature in individuals affected with ERCC6L2-related conditions. ClinVar contains an entry for this variant (Variation ID: 1515900). Algorithms developed to predict the effect of missense changes on protein structure and function output the following: SIFT: "Not Available"; PolyPhen-2: "Not Available"; Align-GVGD: "Not Available". The glutamine amino acid residue is found in multiple mammalian species, which suggests that this missense change does not adversely affect protein function. In summary, the available evidence is currently insufficient to determine the role of this variant in disease. Therefore, it has been classified as a Variant of Uncertain Significance.

NM_020207.7(ERCC6L2):c.17C>A (p.Pro6Gln)

Gene: ERCC6L2 (ERCC excision repair 6 like 2; plus strand). Cytogenetic location: 9q22.32.
Variant type: single nucleotide variant.
Coding change: c.17C>A on transcript NM_020207.7 (MANE Select); coding-DNA position 17, C replaced by A.
Protein change: p.Pro6Gln; replaces proline 6 with glutamine.
Molecular consequence: missense variant. On other transcripts: non-coding transcript variant (1).
Genome position (GRCh38, 1-based): chr9:95,876,055, C>A. VCF-style: chr9-95876055-C-A. GRCh37 (hg19) VCF-style: chr9-98638337-C-A.
Other names: c.17C>A, p.Pro6Gln (NM_001010895.4, NM_001375291.1, NM_001375292.1 and 2 more transcripts); short protein forms P6Q.
Identifiers: ClinVar variation 1515900 (VCV001515900.7), dbSNP rs760749677, ClinGen allele CA5139207.
Genomic context (GRCh38, chr9:95,876,055, plus strand): 5'-CCGGGTGTTACATGCAGCCGGGCTCGGCCCCTCCCCCTGGCCGGATGGATCCGTCGGCGC[C>A]ACAGCCCCGCGCGGAAACCTCAGGCAAAGGTACCAGCTCCGCGCTCGCCCCTTACGCAGA-3'
Protein context (NP_064592.3, residues 1-16): MDPSA[Pro6Gln]QPRAETSGKD